The following is an entry in ClinVar:

ClinVar aggregate classification (germline): Benign/Likely benign. Review status: criteria provided, multiple submitters, no conflicts (2 of 4 stars). 18 submissions from 15 submitters: Benign (12); Likely benign (3). 3 of the submissions do not count toward it. Last evaluated 2026-03-27.

Conditions:
Cardiovascular phenotype. Identifiers: MedGen CN230736.
Ehlers-Danlos syndrome (EDS). Identifiers: Orphanet 98249, MedGen C0013720, MONDO:0020066.
Ehlers-Danlos syndrome, arthrochalasia type. Also called: Ehlers-Danlos syndrome, arthrochalasis type; ARTHROCHALASIS MULTIPLEX CONGENITA; EDS VII, MUTANT PROCOLLAGEN TYPE; EDS VIIA; Ehlers-Danlos syndrome, arthrochalasia type, 1. Identifiers: Orphanet 1899, Orphanet 99875, Orphanet 99876, MedGen C4551623, MONDO:0007525, OMIM 130060.
Osteogenesis imperfecta (OI). Identifiers: Orphanet 666, MedGen C0029434, MeSH D010013, MONDO:0019019.
Osteogenesis imperfecta type I (OI1). Also called: Classic Non-deforming Osteogenesis Imperfecta with Blue Sclerae; OI, TYPE I; OSTEOGENESIS IMPERFECTA TARDA; OSTEOGENESIS IMPERFECTA WITH BLUE SCLERAE; Lobstein disease; Osteogenesis imperfecta type 1. Identifiers: Orphanet 216796, Orphanet 666, MedGen C0023931, MONDO:0008146, OMIM 166200. Disease mechanism: loss of function.
Infantile cortical hyperostosis. Also called: P1PK BLOOD GROUP SYSTEM, P(2) PHENOTYPE; Hyperostosis, Cortical, Congenital; Caffey Disease. Identifiers: Orphanet 1310, MedGen C0020497, MONDO:0007244, OMIM 114000.

Allele frequency attached by ClinVar (database versions not stated): gnomAD exomes 0.00154 and 0.00288; gnomAD 0.00281 and 0.00297; TOPMed 0.00303; ExAC 0.00316; ESP Exome Variant Server 0.00361; 1000 Genomes Project 30x 0.00375; 1000 Genomes Project 0.00419.
gnomAD v4.1: 2,755 of 1,614,170 alleles (0.17%); highest among the groups gnomAD compares: Middle Eastern, 1.6%; 27 homozygotes.

Submissions (18):

Molecular Diagnostic Laboratory for Inherited Cardiovascular Disease, Montreal Heart Institute
Classification: Benign. Last evaluated: 2026-03-27. Review status: criteria provided, single submitter. Criteria: ACMG Guidelines, 2015. Collection method: clinical testing. Allele origin: germline. Affected: no.

CeGaT Center for Human Genetics Tuebingen
Classification: Benign. Last evaluated: 2026-02-01. Review status: criteria provided, single submitter. Criteria: CeGaT Center For Human Genetics Tuebingen Variant Classification Criteria Version 2. Collection method: clinical testing. Allele origin: germline. Affected: yes. Observed: 6 variant alleles.
Comment: COL1A1: BP4, BS1, BS2

Labcorp Genetics (formerly Invitae), Labcorp
Classification: Benign for Osteogenesis imperfecta type I. Last evaluated: 2026-02-01. Review status: criteria provided, single submitter. Criteria: Invitae Variant Classification Sherloc (09022015). Collection method: clinical testing. Allele origin: germline.

ARUP Laboratories, Molecular Genetics and Genomics, ARUP Laboratories
Classification: Benign. Last evaluated: 2025-03-26. Review status: criteria provided, single submitter. Criteria: ARUP Molecular Germline Variant Investigation Process 2024. Collection method: clinical testing. Allele origin: germline.

Blueprint Genetics
Classification: Likely benign. Last evaluated: 2024-11-20. Review status: criteria provided, single submitter. Criteria: ACMG Guidelines, 2015. Collection method: clinical testing. Allele origin: germline.

Genome Diagnostics Laboratory, The Hospital for Sick Children
Classification: Benign for Osteogenesis imperfecta. Last evaluated: 2022-03-07. Review status: criteria provided, single submitter. Criteria: ACMG Guidelines, 2015. Collection method: clinical testing. Allele origin: germline.

Mayo Clinic Laboratories, Mayo Clinic
Classification: Benign. Last evaluated: 2020-07-15. Review status: criteria provided, single submitter. Criteria: ACMG Guidelines, 2015. Collection method: clinical testing. Allele origin: germline. Observed: 8 variant alleles.

Genome Diagnostics Laboratory, The Hospital for Sick Children
Classification: Benign for Ehlers-Danlos syndrome. Last evaluated: 2020-05-01. Review status: criteria provided, single submitter. Criteria: ACMG Guidelines, 2015. Collection method: clinical testing. Allele origin: germline.

Ambry Genetics
Classification: Benign for Cardiovascular phenotype. Last evaluated: 2019-03-12. Review status: criteria provided, single submitter. Criteria: Ambry Variant Classification Scheme 2023. Collection method: clinical testing. Allele origin: germline.

Illumina Laboratory Services, Illumina
Classification: Benign for Ehlers-Danlos syndrome, arthrochalasia type. Last evaluated: 2018-01-12. Review status: criteria provided, single submitter. Criteria: ICSL Variant Classification Criteria 13 December 2019. Collection method: clinical testing. Allele origin: germline.
Comment: This variant was observed in the ICSL laboratory as part of a predisposition screen in an ostensibly healthy population. It had not been previously curated by ICSL or reported in the Human Gene Mutation Database (HGMD: prior to June 1st, 2018), and was therefore a candidate for classification through an automated scoring system. Utilizing variant allele frequency, disease prevalence and penetrance estimates, and inheritance mode, an automated score was calculated to assess if this variant is too frequent to cause the disease. Based on the score and internal cut-off values, a variant classified as benign is not then subjected to further curation. The score for this variant resulted in a classification of benign for this disease.

Illumina Laboratory Services, Illumina
Classification: Benign for Osteogenesis imperfecta. Last evaluated: 2018-01-12. Review status: criteria provided, single submitter. Criteria: ICSL Variant Classification Criteria 13 December 2019. Collection method: clinical testing. Allele origin: germline.
Comment: the same text as in the submission from Illumina Laboratory Services, Illumina above.

Illumina Laboratory Services, Illumina
Classification: Likely benign for Infantile cortical hyperostosis. Last evaluated: 2018-01-12. Review status: criteria provided, single submitter. Criteria: ICSL Variant Classification Criteria 13 December 2019. Collection method: clinical testing. Allele origin: germline.
Comment: This variant was observed in the ICSL laboratory as part of a predisposition screen in an ostensibly healthy population. It had not been previously curated by ICSL or reported in the Human Gene Mutation Database (HGMD: prior to June 1st, 2018), and was therefore a candidate for classification through an automated scoring system. Utilizing variant allele frequency, disease prevalence and penetrance estimates, and inheritance mode, an automated score was calculated to assess if this variant is too frequent to cause the disease. Based on the score and internal cut-off values, a variant classified as likely benign is not then subjected to further curation. The score for this variant resulted in a classification of likely benign for this disease.

GeneDx
Classification: Benign. Last evaluated: 2016-10-28. Review status: criteria provided, single submitter. Criteria: GeneDx Variant Classification (06012015). Collection method: clinical testing. Allele origin: germline. Affected: yes.
Comment: This variant is considered likely benign or benign based on one or more of the following criteria: it is a conservative change, it occurs at a poorly conserved position in the protein, it is predicted to be benign by multiple in silico algorithms, and/or has population frequency not consistent with disease.

Eurofins Ntd Llc (ga)
Classification: Benign. Last evaluated: 2015-07-28. Review status: criteria provided, single submitter. Criteria: EGL Classification Definitions 2015. Collection method: clinical testing. Allele origin: germline. Observed: 1 variant allele, 1 heterozygote.

Breakthrough Genomics
Classification: Likely benign. Review status: criteria provided, single submitter. Criteria: ACMG Guidelines, 2015. Collection method: not provided. Allele origin: germline. Inheritance: Autosomal dominant inheritance. Affected: yes.

Clinical Genetics DNA and cytogenetics Diagnostics Lab, Erasmus MC, Erasmus Medical Center
Classification: Likely benign. Review status: no assertion criteria provided. Collection method: clinical testing. Allele origin: germline. Affected: yes. Study: VKGL Data-share Consensus. Not counted in ClinVar's aggregate classification.

Genome Diagnostics Laboratory, Amsterdam University Medical Center
Classification: Benign. Review status: no assertion criteria provided. Collection method: clinical testing. Allele origin: germline. Affected: yes. Study: VKGL Data-share Consensus. Not counted in ClinVar's aggregate classification.

Genome Diagnostics Laboratory, University Medical Center Utrecht
Classification: Benign. Review status: no assertion criteria provided. Collection method: clinical testing. Allele origin: germline. Affected: yes. Study: VKGL Data-share Consensus. Not counted in ClinVar's aggregate classification.

NM_000088.4(COL1A1):c.4179C>T (p.Ser1393=)

Gene: COL1A1 (collagen type I alpha 1 chain; minus strand). Cytogenetic location: 17q21.33.
Variant type: single nucleotide variant.
Coding change: c.4179C>T on transcript NM_000088.4 (MANE Select); coding-DNA position 4179, C replaced by T.
Protein change: p.Ser1393=; no amino-acid change (serine 1393 retained).
Molecular consequence: synonymous variant.
Genome position (GRCh38, 1-based): chr17:50,185,847, G>A on the plus strand (C>T on the coding strand, the complement: COL1A1 is on the minus strand). VCF-style: chr17-50185847-G-A. GRCh37 (hg19) VCF-style: chr17-48263208-G-A.
Other names: p.Ser1393=.
Identifiers: ClinVar variation 281778 (VCV000281778.97), dbSNP rs1800219, ClinGen allele CA8644243.